The following is an entry in ClinVar:

NM_004360.5(CDH1):c.1990A>C (p.Lys664Gln)

Gene: CDH1 (cadherin 1; plus strand). Cytogenetic location: 16q22.1.
Variant type: single nucleotide variant.
Coding change: c.1990A>C on transcript NM_004360.5 (MANE Select); coding-DNA position 1990, A replaced by C.
Protein change: p.Lys664Gln; replaces lysine 664 with glutamine.
Molecular consequence: missense variant.
Genome position (GRCh38, 1-based): chr16:68,823,452, A>C. VCF-style: chr16-68823452-A-C. GRCh37 (hg19) VCF-style: chr16-68857355-A-C.
Other names: c.1807A>C, p.Lys603Gln (NM_001317184.2); c.442A>C, p.Lys148Gln (NM_001317185.2); c.25A>C, p.Lys9Gln (NM_001317186.2); short protein forms K9Q, K148Q, K603Q, K664Q.
Identifiers: ClinVar variation 841518 (VCV000841518.17), dbSNP rs1275496047, ClinGen allele CA396467613.
Genomic context (GRCh38, chr16:68,823,452, plus strand): 5'-TCTCCAGCCCAAGAATCTATCATTTTGAAGCCAAAGATGGCCTTAGAGGTGGGTGACTAC[A>C]AAATCAATCTCAAGCTCATGGATAACCAGAATAAAGACCAAGTGACCACCTTAGAGGTCA-3'
Protein context (NP_004351.1, residues 654-674): PKMALEVGDY[Lys664Gln]INLKLMDNQN

ClinVar aggregate classification (germline): Uncertain significance. Review status: criteria provided, multiple submitters, no conflicts (2 of 4 stars). 4 submissions from 4 submitters: Uncertain significance (4). Last evaluated 2025-09-14.

Conditions:
Hereditary cancer-predisposing syndrome. Also called: Neoplastic Syndromes, Hereditary; Hereditary neoplastic syndrome; Tumor predisposition; Hereditary Cancer Syndrome. Identifiers: Orphanet 140162, MedGen C0027672, MeSH D009386, MONDO:0015356.
Hereditary diffuse gastric adenocarcinoma (HDGC). Also called: DIFFUSE GASTRIC AND LOBULAR BREAST CANCER SYNDROME. Identifiers: Orphanet 26106, MedGen C1708349, MONDO:0007648, OMIM 137215.

Allele frequency attached by ClinVar (database versions not stated): gnomAD exomes below 0.00001.
gnomAD v4.1: 1 of 1,614,110 alleles (0.000062%); highest among the groups gnomAD compares: East Asian, 0.0022%; no homozygotes.

Submissions (4):

Labcorp Genetics (formerly Invitae), Labcorp
Classification: Uncertain significance for Hereditary diffuse gastric adenocarcinoma. Last evaluated: 2025-09-14. Review status: criteria provided, single submitter. Criteria: Invitae Variant Classification Sherloc (09022015). Collection method: clinical testing. Allele origin: germline.
Comment: This sequence change replaces lysine, which is basic and polar, with glutamine, which is neutral and polar, at codon 664 of the CDH1 protein (p.Lys664Gln). This variant is present in population databases (no rsID available, gnomAD 0.006%). This variant has not been reported in the literature in individuals affected with CDH1-related conditions. ClinVar contains an entry for this variant (Variation ID: 841518). An algorithm developed to predict the effect of missense changes on protein structure and function (PolyPhen-2) suggests that this variant is likely to be tolerated. In summary, the available evidence is currently insufficient to determine the role of this variant in disease. Therefore, it has been classified as a Variant of Uncertain Significance.

Ambry Genetics
Classification: Uncertain significance for Hereditary cancer-predisposing syndrome. Last evaluated: 2025-06-06. Review status: criteria provided, single submitter. Criteria: Ambry Variant Classification Scheme 2023. Collection method: clinical testing. Allele origin: germline.
Comment: The p.K664Q variant (also known as c.1990A>C), located in coding exon 13 of the CDH1 gene, results from an A to C substitution at nucleotide position 1990. The lysine at codon 664 is replaced by glutamine, an amino acid with similar properties. This amino acid position is not well conserved in available vertebrate species. In addition, this alteration is predicted to be tolerated by in silico analysis. Since supporting evidence is limited at this time, the clinical significance of this alteration remains unclear.

Quest Diagnostics Nichols Institute San Juan Capistrano
Classification: Uncertain significance. Last evaluated: 2024-03-21. Review status: criteria provided, single submitter. Criteria: Quest Diagnostics criteria. Collection method: clinical testing. Allele origin: unknown.
Comment: The CDH1 c.1990A>C (p.Lys664Gln) variant has been reported in the published literature in at least one individual with breast cancer (PMID: 33471991 (2021), see also LOVD). The frequency of this variant in the general population, 0.000004 (1/251482 chromosomes (Genome Aggregation Database)), is uninformative in the assessment of its pathogenicity. Analysis of this variant using bioinformatics tools for the prediction of the effect of amino acid changes on protein structure and function yielded predictions that this variant is benign. Based on the available information, we are unable to determine the clinical significance of this variant.

Color Diagnostics, LLC DBA Color Health
Classification: Uncertain significance for Hereditary cancer-predisposing syndrome. Last evaluated: 2023-12-04. Review status: criteria provided, single submitter. Criteria: ACMG Guidelines, 2015. Collection method: clinical testing. Allele origin: germline.
Comment: This missense variant replaces lysine with glutamine at codon 664 of the CDH1 protein. To our knowledge, functional studies have not been reported for this variant. This variant has not been reported in individuals affected with hereditary cancer in the literature. This variant has been identified in 1/251482 chromosomes in the general population by the Genome Aggregation Database (gnomAD). The available evidence is insufficient to determine the role of this variant in disease conclusively. Therefore, this variant is classified as a Variant of Uncertain Significance.

Literature cited by the submitters: PubMed 33471991 (cited by Quest Diagnostics Nichols Institute San Juan Capistrano).